The following is an entry in ClinVar:

NM_001370466.1(NOD2):c.1648C>T (p.Pro550Ser)

Gene: NOD2 (nucleotide binding oligomerization domain containing 2; plus strand). Cytogenetic location: 16q12.1.
Variant type: single nucleotide variant.
Coding change: c.1648C>T on transcript NM_001370466.1 (MANE Select); coding-DNA position 1648, C replaced by T.
Protein change: p.Pro550Ser; replaces proline 550 with serine.
Molecular consequence: missense variant. On other transcripts: non-coding transcript variant (1).
Genome position (GRCh38, 1-based): chr16:50,711,640, C>T. VCF-style: chr16-50711640-C-T. GRCh37 (hg19) VCF-style: chr16-50745551-C-T.
Other names: c.1648C>T, p.Pro550Ser (NM_001293557.2); c.1729C>T, p.Pro577Ser (NM_022162.3); short protein forms P577S, P550S.
Identifiers: ClinVar variation 2933417 (VCV002933417.3), dbSNP rs758507559, ClinGen allele CA395869507.

ClinVar aggregate classification (germline): Uncertain significance (1 of 4 stars; one submission).

Conditions:
Regional enteritis. Also called: Enteritis, Granulomatous. Identifiers: MedGen C0678202, MeSH D003424.
Blau syndrome (BLAUS). Also called: ARTHROCUTANEOUVEAL GRANULOMATOSIS; GRANULOMATOSIS, FAMILIAL JUVENILE SYSTEMIC; GRANULOMATOSIS, FAMILIAL, BLAU TYPE; GRANULOMATOUS INFLAMMATORY ARTHRITIS, DERMATITIS, AND UVEITIS, FAMILIAL; JABS SYNDROME. Identifiers: Orphanet 90340, MedGen C5201146, MONDO:0008523, OMIM 186580.

gnomAD v4.1: 1 of 1,612,796 alleles (0.000062%); highest among the groups gnomAD compares: Non-Finnish European, 0.000085%; no homozygotes.

Submission:

Labcorp Genetics (formerly Invitae), Labcorp
Classification: Uncertain significance for Regional enteritis; Blau syndrome. Last evaluated: 2024-02-12. Review status: criteria provided, single submitter. Criteria: Invitae Variant Classification Sherloc (09022015). Collection method: clinical testing. Allele origin: germline.
Comment: This sequence change replaces proline, which is neutral and non-polar, with serine, which is neutral and polar, at codon 577 of the NOD2 protein (p.Pro577Ser). This variant is not present in population databases (gnomAD no frequency). This variant has not been reported in the literature in individuals affected with NOD2-related conditions. Advanced modeling of protein sequence and biophysical properties (such as structural, functional, and spatial information, amino acid conservation, physicochemical variation, residue mobility, and thermodynamic stability) performed at Invitae indicates that this missense variant is not expected to disrupt NOD2 protein function with a negative predictive value of 95%. In summary, the available evidence is currently insufficient to determine the role of this variant in disease. Therefore, it has been classified as a Variant of Uncertain Significance.